The following is an entry in ClinVar:

ClinVar aggregate classification (germline): Uncertain significance (1 of 4 stars; one submission).

Conditions:
Inborn genetic diseases. Identifiers: MedGen C0950123, MeSH D030342.

Submission:

Ambry Genetics
Classification: Uncertain significance for Inborn genetic diseases. Last evaluated: 2022-10-30. Review status: criteria provided, single submitter. Criteria: Ambry Variant Classification Scheme 2023. Collection method: clinical testing. Allele origin: germline.
Comment: The p.A345P variant (also known as c.1033G>C), located in coding exon 4 of the ATR gene, results from a G to C substitution at nucleotide position 1033. The alanine at codon 345 is replaced by proline, an amino acid with highly similar properties. This amino acid position is conserved. In addition, this alteration is predicted to be deleterious by in silico analysis. Since supporting evidence is limited at this time, the clinical significance of this alteration remains unclear.

NM_001184.4(ATR):c.1033G>C (p.Ala345Pro)

Gene: ATR (ATR checkpoint kinase; minus strand). Cytogenetic location: 3q23.
Variant type: single nucleotide variant.
Coding change: c.1033G>C on transcript NM_001184.4 (MANE Select); coding-DNA position 1033, G replaced by C.
Protein change: p.Ala345Pro; replaces alanine 345 with proline.
Molecular consequence: missense variant.
Genome position (GRCh38, 1-based): chr3:142,562,369, C>G on the plus strand (G>C on the coding strand, the complement: ATR is on the minus strand). VCF-style: chr3-142562369-C-G. GRCh37 (hg19) VCF-style: chr3-142281211-C-G.
Other names: c.1033G>C, p.Ala345Pro (NM_001354579.2); short protein forms A345P.
Identifiers: ClinVar variation 1771934 (VCV001771934.2), dbSNP rs2108487066, ClinGen allele CA354823948.
Genomic context (GRCh38, chr3:142,562,369, plus strand): 5'-AAGCAGATTCATACCCAGCTGGCACAAATTTAAGGAAATACTGCAGTAAATGGCACAAAG[C>G]TGCTTTTAGCAAATCAGACTTAAGCCGCATGAGCACACCGTCTTCAAACATGACACAGAG-3'
Protein context (NP_001175.2, residues 335-355): MRLKSDLLKA[Ala345Pro]LCHLLQYFLK